The following is an entry in ClinVar:

ClinVar aggregate classification (germline): Likely benign. Review status: criteria provided, multiple submitters, no conflicts (2 of 4 stars). 2 submissions from 2 submitters: Likely benign (2). Last evaluated 2024-12-02.

Conditions:
Cohen syndrome (COH1). Also called: Cutis verticis gyrata, retinitis pigmentosa, and sensorineural deafness; PEPPER SYNDROME. Identifiers: Orphanet 193, MedGen C0265223, MONDO:0008999, OMIM 216550.
VPS13B-related disorder. Also called: VPS13B-related condition.

Submissions (2):

PreventionGenetics, part of Exact Sciences
Classification: Likely benign for VPS13B-related condition. Last evaluated: 2024-12-02. Review status: criteria provided, single submitter. Criteria: ACMG Guidelines, 2015. Collection method: clinical testing. Allele origin: germline.
Comment: This variant is classified as likely benign based on ACMG/AMP sequence variant interpretation guidelines (Richards et al. 2015 PMID: 25741868, with internal and published modifications).

Labcorp Genetics (formerly Invitae), Labcorp
Classification: Likely benign for Cohen syndrome. Last evaluated: 2020-10-06. Review status: criteria provided, single submitter. Criteria: Invitae Variant Classification Sherloc (09022015). Collection method: clinical testing. Allele origin: germline.

NM_152564.5(VPS13B):c.4320A>G (p.Leu1440=)

Gene: VPS13B (vacuolar protein sorting 13 homolog B; plus strand). Cytogenetic location: 8q22.2.
Variant type: single nucleotide variant.
Coding change: c.4320A>G on transcript NM_152564.5 (MANE Select); coding-DNA position 4320, A replaced by G.
Protein change: p.Leu1440=; no amino-acid change (leucine 1440 retained).
Molecular consequence: synonymous variant.
Genome position (GRCh38, 1-based): chr8:99,511,199, A>G. VCF-style: chr8-99511199-A-G. GRCh37 (hg19) VCF-style: chr8-100523427-A-G.
Other names: c.4395A>G, p.Leu1465= (NM_017890.5); c.4320A>G (NM_152564.4).
Identifiers: ClinVar variation 1081785 (VCV001081785.10), dbSNP rs2133637329, ClinGen allele CA462439987.